The following is an entry in ClinVar:

NM_001130987.2(DYSF):c.4801A>G (p.Met1601Val)

Gene: DYSF (dysferlin; plus strand). Cytogenetic location: 2p13.2.
Variant type: single nucleotide variant.
Coding change: c.4801A>G on transcript NM_001130987.2 (MANE Select); coding-DNA position 4801, A replaced by G.
Protein change: p.Met1601Val; replaces methionine 1601 with valine.
Molecular consequence: missense variant.
Genome position (GRCh38, 1-based): chr2:71,658,923, A>G. VCF-style: chr2-71658923-A-G. GRCh37 (hg19) VCF-style: chr2-71886053-A-G.
Other names: c.4687A>G, p.Met1563Val (NM_001130455.2); c.4642A>G, p.Met1548Val (NM_001130976.2); c.4705A>G, p.Met1569Val (NM_001130977.2); c.4747A>G, p.Met1583Val (NM_001130978.2); c.4777A>G, p.Met1593Val (NM_001130979.2); c.4735A>G, p.Met1579Val (NM_001130980.2); c.4798A>G, p.Met1600Val (NM_001130981.2); c.4780A>G, p.Met1594Val (NM_001130982.2); and 5 more; short protein forms M1548V, M1562V, M1600V, M1563V, M1579V, M1580V, M1570V, M1583V.
Identifiers: ClinVar variation 643259 (VCV000643259.9), dbSNP rs768130248, ClinGen allele CA347219686.
Genomic context (GRCh38, chr2:71,658,923, plus strand): 5'-CTTCCTTCTTTTCAGGGCCTCTTCAAAATTTATCCCCTCCCAGAAGACCCAGCCATCCCC[A>G]TGCCCCCAAGACAGTTCCACCAGCTGGCCGCCCAGGGACCCCAGGAGTGCTTGGTCCGTA-3'
Protein context (NP_001124459.1, residues 1591-1611): YPLPEDPAIP[Met1601Val]PPRQFHQLAA

ClinVar aggregate classification (germline): Uncertain significance. Review status: criteria provided, single submitter (1 of 4 stars). 2 submissions from 2 submitters: Uncertain significance (1). 1 of the submissions does not count toward it. Last evaluated 2024-12-02.

Conditions:
Neuromuscular disease caused by qualitative or quantitative defects of dysferlin. Also called: Qualitative or quantitative defects of dysferlin; Dysferlinopathy. Identifiers: Orphanet 207073, MedGen C2931687, MONDO:0016145.
Autosomal recessive limb-girdle muscular dystrophy type 2B (LGMDR2). Also called: MUSCULAR DYSTROPHY, LIMB-GIRDLE, TYPE 3; MUSCULAR DYSTROPHY, LIMB-GIRDLE, AUTOSOMAL RECESSIVE 2; Limb-Girdle Muscular Dystrophy Type 2B (LGMD2B); Limb-girdle muscular dystrophy, type 2B. Identifiers: Orphanet 268, MedGen C1850889, MONDO:0009676, OMIM 253601.

Submissions (2):

Labcorp Genetics (formerly Invitae), Labcorp
Classification: Uncertain significance for Neuromuscular disease caused by qualitative or quantitative defects of dysferlin. Last evaluated: 2024-12-02. Review status: criteria provided, single submitter. Criteria: Invitae Variant Classification Sherloc (09022015). Collection method: clinical testing. Allele origin: germline.
Comment: This sequence change replaces methionine, which is neutral and non-polar, with valine, which is neutral and non-polar, at codon 1562 of the DYSF protein (p.Met1562Val). This variant is not present in population databases (gnomAD no frequency). This variant has not been reported in the literature in individuals affected with DYSF-related conditions. ClinVar contains an entry for this variant (Variation ID: 643259). Invitae Evidence Modeling of protein sequence and biophysical properties (such as structural, functional, and spatial information, amino acid conservation, physicochemical variation, residue mobility, and thermodynamic stability) indicates that this missense variant is not expected to disrupt DYSF protein function with a negative predictive value of 95%. In summary, the available evidence is currently insufficient to determine the role of this variant in disease. Therefore, it has been classified as a Variant of Uncertain Significance.

Natera, Inc.
Classification: Uncertain significance for Limb-girdle muscular dystrophy type 2B. Last evaluated: 2020-01-29. Review status: no assertion criteria provided. Collection method: clinical testing. Allele origin: germline. Not counted in ClinVar's aggregate classification.